The following is an entry in ClinVar:

ClinVar aggregate classification (germline): Uncertain significance (1 of 4 stars; one submission).

Allele frequency attached by ClinVar (database versions not stated): TOPMed below 0.00001; ExAC 0.00001; gnomAD 0.00001; gnomAD exomes 0.00001.

Submission:

Labcorp Genetics (formerly Invitae), Labcorp
Classification: Uncertain significance. Last evaluated: 2024-10-28. Review status: criteria provided, single submitter. Criteria: Invitae Variant Classification Sherloc (09022015). Collection method: clinical testing. Allele origin: germline.
Comment: This sequence change replaces methionine, which is neutral and non-polar, with isoleucine, which is neutral and non-polar, at codon 1391 of the CACNA1D protein (p.Met1391Ile). This variant is present in population databases (rs757017962, gnomAD 0.003%). This variant has not been reported in the literature in individuals affected with CACNA1D-related conditions. ClinVar contains an entry for this variant (Variation ID: 1388956). An algorithm developed to predict the effect of missense changes on protein structure and function (PolyPhen-2) suggests that this variant is likely to be tolerated. In summary, the available evidence is currently insufficient to determine the role of this variant in disease. Therefore, it has been classified as a Variant of Uncertain Significance.

NM_001128840.3(CACNA1D):c.4113G>A (p.Met1371Ile)

Gene: CACNA1D (calcium voltage-gated channel subunit alpha1 D; plus strand). Cytogenetic location: 3p21.1.
Variant type: single nucleotide variant.
Coding change: c.4113G>A on transcript NM_001128840.3 (MANE Select); coding-DNA position 4113, G replaced by A.
Protein change: p.Met1371Ile; replaces methionine 1371 with isoleucine.
Molecular consequence: missense variant.
Genome position (GRCh38, 1-based): chr3:53,774,589, G>A. VCF-style: chr3-53774589-G-A. GRCh37 (hg19) VCF-style: chr3-53808616-G-A.
Other names: c.4173G>A, p.Met1391Ile (NM_000720.4); c.4068G>A, p.Met1356Ile (NM_001128839.3); short protein forms M1356I, M1391I, M1371I.
Identifiers: ClinVar variation 1388956 (VCV001388956.8), dbSNP rs757017962, ClinGen allele CA2454814.